The following is an entry in ClinVar:

ClinVar aggregate classification (germline): Uncertain significance (1 of 4 stars; one submission).

Conditions:
Alstrom syndrome (ALMS). Identifiers: Orphanet 64, MedGen C0268425, MONDO:0008763, OMIM 203800.

Submission:

Labcorp Genetics (formerly Invitae), Labcorp
Classification: Uncertain significance for Alstrom syndrome. Last evaluated: 2021-03-08. Review status: criteria provided, single submitter. Criteria: Invitae Variant Classification Sherloc (09022015). Collection method: clinical testing. Allele origin: germline.
Comment: This sequence change replaces proline with arginine at codon 2055 of the ALMS1 protein (p.Pro2055Arg). The proline residue is moderately conserved and there is a moderate physicochemical difference between proline and arginine. This variant is not present in population databases (ExAC no frequency). This variant has not been reported in the literature in individuals with ALMS1-related conditions. Experimental studies and prediction algorithms are not available or were not evaluated, and the functional significance of this variant is currently unknown. In summary, the available evidence is currently insufficient to determine the role of this variant in disease. Therefore, it has been classified as a Variant of Uncertain Significance.

NM_001378454.1(ALMS1):c.6161C>G (p.Pro2054Arg)

Gene: ALMS1 (ALMS1 centrosome and basal body associated protein; plus strand). Cytogenetic location: 2p13.1.
Variant type: single nucleotide variant.
Coding change: c.6161C>G on transcript NM_001378454.1 (MANE Select); coding-DNA position 6161, C replaced by G.
Protein change: p.Pro2054Arg; replaces proline 2054 with arginine.
Molecular consequence: missense variant.
Genome position (GRCh38, 1-based): chr2:73,452,688, C>G. VCF-style: chr2-73452688-C-G. GRCh37 (hg19) VCF-style: chr2-73679815-C-G.
Other names: c.6164C>G, p.Pro2055Arg (NM_015120.4); short protein forms P2054R, P2055R.
Identifiers: ClinVar variation 2421725 (VCV002421725.3), dbSNP rs2466108157, ClinGen allele CA347285129.